The following is an entry in ClinVar:

NM_001191058.4(PDE1C):c.228C>A (p.Asp76Glu)

Gene: PDE1C (phosphodiesterase 1C; minus strand). Cytogenetic location: 7p14.3.
Variant type: single nucleotide variant.
Coding change: c.228C>A on transcript NM_001191058.4; coding-DNA position 228, C replaced by A.
Protein change: p.Asp76Glu; replaces aspartic acid 76 with glutamic acid.
Molecular consequence: missense variant.
Genome position (GRCh38, 1-based): chr7:32,169,865, G>T on the plus strand (C>A on the coding strand, the complement: PDE1C is on the minus strand). VCF-style: chr7-32169865-G-T. GRCh37 (hg19) VCF-style: chr7-32209477-G-T.
Other names: c.228C>A, p.Asp76Glu (NM_001322058.2); c.453C>A, p.Asp151Glu (NM_001322059.2); short protein forms D76E, D151E.
Identifiers: ClinVar variation 2215639 (VCV002215639.3), dbSNP rs368323356, ClinGen allele CA4211397.

ClinVar aggregate classification (germline): Uncertain significance. Review status: criteria provided, multiple submitters, no conflicts (2 of 4 stars). 2 submissions from 2 submitters: Uncertain significance (2). Last evaluated 2025-09-11.

Conditions:
PDE1C-related disorder. Also called: PDE1C-related condition.

Allele frequency attached by ClinVar (database versions not stated): ESP Exome Variant Server 0.00017; ExAC 0.00002; gnomAD 0.00008.
gnomAD v4.1: 18 of 1,612,442 alleles (0.0011%); highest among the groups gnomAD compares: African/African-American, 0.02%; no homozygotes.

Submissions (2):

PreventionGenetics, part of Exact Sciences
Classification: Uncertain significance for PDE1C-related condition. Last evaluated: 2025-09-11. Review status: criteria provided, single submitter. Criteria: ACMG Guidelines, 2015. Collection method: clinical testing. Allele origin: germline.
Comment: The PDE1C c.228C>A variant is predicted to result in the amino acid substitution p.Asp76Glu. To our knowledge, this variant has not been reported in the literature. This variant is reported in 0.035% of alleles in individuals of African descent in gnomAD. Although we suspect that this variant may be benign, at this time, the clinical significance of this variant is uncertain due to the absence of conclusive functional and genetic evidence.

Ambry Genetics
Classification: Uncertain significance. Last evaluated: 2021-10-12. Review status: criteria provided, single submitter. Criteria: Ambry Variant Classification Scheme 2023. Collection method: clinical testing. Allele origin: germline.